The following is an entry in ClinVar:

ClinVar aggregate classification (germline): Uncertain significance. Review status: criteria provided, multiple submitters, no conflicts (2 of 4 stars). 2 submissions from 2 submitters: Uncertain significance (2). Last evaluated 2024-06-25.

Submissions (2):

Blueprint Genetics
Classification: Uncertain significance. Last evaluated: 2024-06-25. Review status: criteria provided, single submitter. Criteria: ACMG Guidelines, 2015. Collection method: clinical testing. Allele origin: germline.

Labcorp Genetics (formerly Invitae), Labcorp
Classification: Uncertain significance. Last evaluated: 2023-10-06. Review status: criteria provided, single submitter. Criteria: Invitae Variant Classification Sherloc (09022015). Collection method: clinical testing. Allele origin: germline.
Comment: This variant, c.2164_2166del, results in the deletion of 1 amino acid(s) of the PACS2 protein (p.Ser722del), but otherwise preserves the integrity of the reading frame. This variant is present in population databases (rs782313719, gnomAD 0.0009%). This variant has not been reported in the literature in individuals affected with PACS2-related conditions. Experimental studies and prediction algorithms are not available or were not evaluated, and the functional significance of this variant is currently unknown. In summary, the available evidence is currently insufficient to determine the role of this variant in disease. Therefore, it has been classified as a Variant of Uncertain Significance.

NM_001100913.3(PACS2):c.2161TCC[1] (p.Ser722del)

Gene: PACS2 (phosphofurin acidic cluster sorting protein 2; plus strand). Cytogenetic location: 14q32.33.
Variant type: Microsatellite.
Coding change: c.2161TCC[1] on transcript NM_001100913.3 (MANE Select); one copy of the 3-base unit TCC starting at c.2161; the reference has two copies in a row; one copy, 3 bases deleted.
Protein change: p.Ser722del; deletes serine 722.
Molecular consequence: inframe deletion.
Genome position (GRCh38, 1-based): chr14:105,391,675-105,391,677, TCC deleted; deleting any 3 consecutive bases within chr14:105,391,671-105,391,677 gives the same sequence; the position shown is the placement nearest the transcript's 3' end. VCF-style (leftmost placement, unchanged base first): chr14-105391670-TCTC-T. GRCh37 (hg19) VCF-style: chr14-105858007-TCTC-T.
Other names: c.1891TCC[1], p.Ser632del (NM_001243127.3); c.2116TCC[1], p.Ser707del (NM_015197.4); short protein forms S632del, S707del, S722del.
Identifiers: ClinVar variation 2956454 (VCV002956454.4), dbSNP rs782313719, ClinGen allele CA7389178.